The following is an entry in ClinVar:

NM_001184.4(ATR):c.1907G>C (p.Cys636Ser)

Gene: ATR (ATR checkpoint kinase; minus strand). Cytogenetic location: 3q23.
Variant type: single nucleotide variant.
Coding change: c.1907G>C on transcript NM_001184.4 (MANE Select); coding-DNA position 1907, G replaced by C.
Protein change: p.Cys636Ser; replaces cysteine 636 with serine.
Molecular consequence: missense variant.
Genome position (GRCh38, 1-based): chr3:142,556,554, C>G on the plus strand (G>C on the coding strand, the complement: ATR is on the minus strand). VCF-style: chr3-142556554-C-G. GRCh37 (hg19) VCF-style: chr3-142275396-C-G.
Other names: c.1715G>C, p.Cys572Ser (NM_001354579.2); short protein forms C572S, C636S.
Identifiers: ClinVar variation 1970791 (VCV001970791.5), dbSNP rs2473399105, ClinGen allele CA354819704.
Genomic context (GRCh38, chr3:142,556,554, plus strand): 5'-TAAACTGCTGTTCTCCACTCAAGGAATATTCTTCTTGGAAACAGAGTCAGAAGAAACACA[C>G]ATCGTGATTGTGCCTGTGGTGCTGAAAAAATTAAGTCTATTAAACAAGATTTCTACTAAT-3'
Protein context (NP_001175.2, residues 626-646): DSYSPQAQSR[Cys636Ser]VFLLTLFPRR

ClinVar aggregate classification (germline): Uncertain significance (1 of 4 stars; one submission).

Submission:

Labcorp Genetics (formerly Invitae), Labcorp
Classification: Uncertain significance. Last evaluated: 2022-07-27. Review status: criteria provided, single submitter. Criteria: Invitae Variant Classification Sherloc (09022015). Collection method: clinical testing. Allele origin: germline.
Comment: This sequence change replaces cysteine, which is neutral and slightly polar, with serine, which is neutral and polar, at codon 636 of the ATR protein (p.Cys636Ser). In summary, the available evidence is currently insufficient to determine the role of this variant in disease. Therefore, it has been classified as a Variant of Uncertain Significance. Algorithms developed to predict the effect of missense changes on protein structure and function are either unavailable or do not agree on the potential impact of this missense change (SIFT: "Tolerated"; PolyPhen-2: "Possibly Damaging"; Align-GVGD: "Class C0"). This variant has not been reported in the literature in individuals affected with ATR-related conditions. This variant is not present in population databases (gnomAD no frequency).